The following is an entry in ClinVar:

ClinVar aggregate classification (germline): Uncertain significance. Review status: criteria provided, multiple submitters, no conflicts (2 of 4 stars). 2 submissions from 2 submitters: Uncertain significance (2). Last evaluated 2025-11-03.

Conditions:
Hereditary cancer-predisposing syndrome. Also called: Neoplastic Syndromes, Hereditary; Tumor predisposition; Hereditary Cancer Syndrome; Hereditary neoplastic syndrome. Identifiers: Orphanet 140162, MedGen C0027672, MeSH D009386, MONDO:0015356.
Hereditary nonpolyposis colorectal neoplasms. Identifiers: MedGen C0009405, MeSH D003123.

Submissions (2):

Labcorp Genetics (formerly Invitae), Labcorp
Classification: Uncertain significance for Hereditary nonpolyposis colorectal neoplasms. Last evaluated: 2025-11-03. Review status: criteria provided, single submitter. Criteria: Invitae Variant Classification Sherloc (09022015). Collection method: clinical testing. Allele origin: germline.
Comment: This sequence change replaces arginine, which is basic and polar, with lysine, which is basic and polar, at codon 764 of the PMS2 protein (p.Arg764Lys). The frequency data for this variant in the population databases (gnomAD) is considered unreliable due to the presence of homologous sequence, such as pseudogenes or paralogs, in the genome. This variant has not been reported in the literature in individuals affected with PMS2-related conditions. ClinVar contains an entry for this variant (Variation ID: 651778). Invitae Evidence Modeling incorporating data from in vitro experimental studies (internal data) indicates that this missense variant is not expected to disrupt PMS2 function with a negative predictive value of 95%. In summary, the available evidence is currently insufficient to determine the role of this variant in disease. Therefore, it has been classified as a Variant of Uncertain Significance.

Ambry Genetics
Classification: Uncertain significance for Hereditary cancer-predisposing syndrome. Last evaluated: 2024-08-30. Review status: criteria provided, single submitter. Criteria: Ambry Variant Classification Scheme 2023. Collection method: clinical testing. Allele origin: germline.
Comment: The p.R764K variant (also known as c.2291G>A), located in coding exon 14 of the PMS2 gene, results from a G to A substitution at nucleotide position 2291. The arginine at codon 764 is replaced by lysine, an amino acid with highly similar properties. This amino acid position is conserved. In addition, this alteration is predicted to be tolerated by in silico analysis. Based on the available evidence, the clinical significance of this variant remains unclear.

NM_000535.7(PMS2):c.2291G>A (p.Arg764Lys)

Gene: PMS2 (PMS1 homolog 2, mismatch repair system component; minus strand). Cytogenetic location: 7p22.1.
Variant type: single nucleotide variant.
Coding change: c.2291G>A on transcript NM_000535.7 (MANE Select); coding-DNA position 2291, G replaced by A.
Protein change: p.Arg764Lys; replaces arginine 764 with lysine.
Molecular consequence: missense variant.
Genome position (GRCh38, 1-based): chr7:5,977,742, C>T on the plus strand (G>A on the coding strand, the complement: PMS2 is on the minus strand). VCF-style: chr7-5977742-C-T. GRCh37 (hg19) VCF-style: chr7-6017373-C-T.
Other names: c.1886G>A, p.Arg629Lys (NM_001322003.2, NM_001322004.2, NM_001322005.2); c.2135G>A, p.Arg712Lys (NM_001322006.2); c.1973G>A, p.Arg658Lys (NM_001322007.2, NM_001322008.2); c.1919G>A, p.Arg640Lys (NM_001322009.2); c.1730G>A, p.Arg577Lys (NM_001322010.2); c.1358G>A, p.Arg453Lys (NM_001322011.2, NM_001322012.2); c.1718G>A, p.Arg573Lys (NM_001322013.2); c.2324G>A, p.Arg775Lys (NM_001322014.2); and 1 more; short protein forms R573K, R661K, R712K, R453K, R629K, R640K, R658K, R577K.
Identifiers: ClinVar variation 651778 (VCV000651778.8), dbSNP rs1583281502, ClinGen allele CA366736130.
Genomic context (GRCh38, chr7:5,977,742, plus strand): 5'-TCGACGTCCTGGGGTCCGAAGGTCCAGTTTTTACTAGTTGGCAAGGAAATCAGTTTAGCC[C>T]TTTCAGTGACTGGAGCTAAAAGAATACAATTTTGAGAAAAATCCATGACTTGACAAACAC-3'
Protein context (NP_000526.2, residues 754-774): VIDENAPVTE[Arg764Lys]AKLISLPTSK